The following is an entry in ClinVar:

NM_017831.4(RNF125):c.454A>G (p.Ser152Gly)

Gene: RNF125 (ring finger protein 125; plus strand). Cytogenetic location: 18q12.1.
Variant type: single nucleotide variant.
Coding change: c.454A>G on transcript NM_017831.4 (MANE Select); coding-DNA position 454, A replaced by G.
Protein change: p.Ser152Gly; replaces serine 152 with glycine.
Molecular consequence: missense variant.
Genome position (GRCh38, 1-based): chr18:32,045,682, A>G. VCF-style: chr18-32045682-A-G. GRCh37 (hg19) VCF-style: chr18-29625645-A-G.
Other names: short protein forms S152G.
Identifiers: ClinVar variation 939378 (VCV000939378.1), dbSNP rs2039263017, ClinGen allele CA402255123.
Genomic context (GRCh38, chr18:32,045,682, plus strand): 5'-GTATTCTGTGCTATTTCCAGGTGTGTATGTCCCTTTTGTCAGAGGGAACTGTATGAAGAC[A>G]GCTTGCTGGATCATTGTATTACTCATCACAGATCGGAACGGAGGCCTGTGGTAAGGATTT-3'
Protein context (NP_060301.2, residues 142-162): PFCQRELYED[Ser152Gly]LLDHCITHHR

ClinVar aggregate classification (germline): Uncertain significance (1 of 4 stars; one submission).

Conditions:
Tenorio syndrome (TNORS). Also called: OVERGROWTH, MACROCEPHALY, AND INTELLECTUAL DISABILITY SYNDROME. Identifiers: MedGen C4015710, MONDO:0014553, OMIM 616260.

Allele frequency attached by ClinVar (database versions not stated): gnomAD exomes below 0.00001.
gnomAD v4.1: 3 of 1,612,910 alleles (0.00019%); highest among the groups gnomAD compares: Middle Eastern, 0.033%; no homozygotes.

Submission:

Labcorp Genetics (formerly Invitae), Labcorp
Classification: Uncertain significance for Tenorio syndrome. Last evaluated: 2019-07-11. Review status: criteria provided, single submitter. Criteria: Invitae Variant Classification Sherloc (09022015). Collection method: clinical testing. Allele origin: germline.
Comment: This sequence change replaces serine with glycine at codon 152 of the RNF125 protein (p.Ser152Gly). The serine residue is weakly conserved and there is a small physicochemical difference between serine and glycine. This variant is not present in population databases (ExAC no frequency). This variant has not been reported in the literature in individuals with RNF125-related conditions. Algorithms developed to predict the effect of missense changes on protein structure and function output the following: SIFT: "Tolerated"; PolyPhen-2: "Benign"; Align-GVGD: "Class C0". The glycine amino acid residue is found in multiple mammalian species, suggesting that this missense change does not adversely affect protein function. These predictions have not been confirmed by published functional studies and their clinical significance is uncertain. In summary, the available evidence is currently insufficient to determine the role of this variant in disease. Therefore, it has been classified as a Variant of Uncertain Significance.